The following is an entry in ClinVar:

ClinVar aggregate classification (germline): Conflicting classifications of pathogenicity. Review status: criteria provided, conflicting classifications (1 of 4 stars). 2 submissions from 2 submitters: Likely pathogenic (1); Uncertain significance (1). Last evaluated 2025-08-03.

Conditions:
Charcot-Marie-Tooth disease, type I (CMT1). Also called: Charcot-Marie-Tooth disease type 1; Charcot-Marie-Tooth, Type 1. Identifiers: Orphanet 65753, MedGen C0751036, MONDO:0019011.

Submissions (2):

GeneDx
Classification: Uncertain significance. Last evaluated: 2025-08-03. Review status: criteria provided, single submitter. Criteria: GeneDx Variant Classification Process June 2021. Collection method: clinical testing. Allele origin: germline. Affected: yes.
Comment: Observed to segregate with disease in homozygous individuals affected with demyelinating neuropathy from a single family in published literature; however, further research is needed to explore a possible link between EGR2 variants and autosomal recessive disease.; Not observed at significant frequency in large population cohorts (gnomAD); In silico analysis supports that this missense variant has a deleterious effect on protein structure/function; This variant is associated with the following publications: (PMID: 32896048)

Labcorp Genetics (formerly Invitae), Labcorp
Classification: Likely pathogenic for Charcot-Marie-Tooth disease, type I. Last evaluated: 2023-11-10. Review status: criteria provided, single submitter. Criteria: Invitae Variant Classification Sherloc (09022015). Collection method: clinical testing. Allele origin: germline.
Comment: This sequence change replaces proline, which is neutral and non-polar, with leucine, which is neutral and non-polar, at codon 264 of the EGR2 protein (p.Pro264Leu). This variant is not present in population databases (gnomAD no frequency). This missense change has been observed in individual(s) with autosomal recessive demyelinating neuropathy (PMID: 32896048). It has also been observed to segregate with disease in related individuals. ClinVar contains an entry for this variant (Variation ID: 939306). Advanced modeling of protein sequence and biophysical properties (such as structural, functional, and spatial information, amino acid conservation, physicochemical variation, residue mobility, and thermodynamic stability) has been performed at Invitae for this missense variant, however the output from this modeling did not meet the statistical confidence thresholds required to predict the impact of this variant on EGR2 protein function. Experimental studies have shown that this missense change affects EGR2 function (PMID: 32896048). In summary, the currently available evidence indicates that the variant is pathogenic, but additional data are needed to prove that conclusively. Therefore, this variant has been classified as Likely Pathogenic.

Literature cited by the submitters: PubMed 32896048 (cited by Labcorp Genetics (formerly Invitae), Labcorp).

NM_000399.5(EGR2):c.791C>T (p.Pro264Leu)

Gene: EGR2 (early growth response 2; minus strand). Cytogenetic location: 10q21.3.
Variant type: single nucleotide variant.
Coding change: c.791C>T on transcript NM_000399.5 (MANE Select); coding-DNA position 791, C replaced by T.
Protein change: p.Pro264Leu; replaces proline 264 with leucine.
Molecular consequence: missense variant.
Genome position (GRCh38, 1-based): chr10:62,813,847, G>A on the plus strand (C>T on the coding strand, the complement: EGR2 is on the minus strand). VCF-style: chr10-62813847-G-A. GRCh37 (hg19) VCF-style: chr10-64573607-G-A.
Other names: c.791C>T, p.Pro264Leu (NM_001136177.3, NM_001136178.2); c.641C>T, p.Pro214Leu (NM_001136179.3, NM_001321037.2); short protein forms P214L, P264L.
Identifiers: ClinVar variation 939306 (VCV000939306.10), dbSNP rs1842187600, ClinGen allele CA377028811.